The following is an entry in ClinVar:

ClinVar aggregate classification (germline): Likely benign (1 of 4 stars; one submission).

Allele frequency attached by ClinVar (database versions not stated): ESP Exome Variant Server 0.00041; 1000 Genomes Project 30x 0.00047; 1000 Genomes Project 0.00060; TOPMed 0.00061; gnomAD exomes 0.00120; ExAC 0.00188; gnomAD 0.00188.
gnomAD v4.1: 2,016 of 1,613,784 alleles (0.12%); highest among the groups gnomAD compares: Non-Finnish European, 0.08%; 15 homozygotes.

Submission:

CeGaT Center for Human Genetics Tuebingen
Classification: Likely benign. Last evaluated: 2024-02-01. Review status: criteria provided, single submitter. Criteria: CeGaT Center For Human Genetics Tuebingen Variant Classification Criteria Version 2. Collection method: clinical testing. Allele origin: germline. Affected: yes. Observed: 1 variant allele.
Comment: NR1I3: BP4, BP7

NM_005122.5(NR1I3):c.-45T>C

Gene: NR1I3 (nuclear receptor subfamily 1 group I member 3; minus strand). Cytogenetic location: 1q23.3.
Variant type: single nucleotide variant.
Coding change: c.-45T>C on transcript NM_005122.5 (MANE Select); 45 bases upstream of the start codon, T replaced by C.
Molecular consequence: 5 prime UTR variant. On other transcripts: synonymous variant (7).
Genome position (GRCh38, 1-based): chr1:161,238,052, A>G on the plus strand (T>C on the coding strand, the complement: NR1I3 is on the minus strand). VCF-style: chr1-161238052-A-G. GRCh37 (hg19) VCF-style: chr1-161207842-A-G.
Other names: c.-45T>C (NM_001077469.3, NM_001077471.3, NM_001077474.3 and 4 more transcripts); c.9T>C, p.Pro3= (NM_001077470.3, NM_001077472.3, NM_001077473.3 and 4 more transcripts).
Identifiers: ClinVar variation 3025135 (VCV003025135.22), dbSNP rs181499203, ClinGen allele CA1209956.